The following is an entry in ClinVar:

ClinVar aggregate classification (germline): Uncertain significance. Review status: criteria provided, multiple submitters, no conflicts (2 of 4 stars). 2 submissions from 2 submitters: Uncertain significance (2). Last evaluated 2025-11-15.

Conditions:
Pigmentary pallidal degeneration (NBIA1). Also called: Pantothenate Kinase-Associated Neurodegeneration; Neuroaxonal dystrophy, late infantile; Hallervorden-Spatz disease; HARP SYNDROME; Neurodegeneration with brain iron accumulation 1; PKAN NEUROAXONAL DYSTROPHY, JUVENILE-ONSET. Identifiers: Orphanet 157850, MedGen C0018523, MONDO:0009319, OMIM 234200.

Allele frequency attached by ClinVar (database versions not stated): TOPMed below 0.00001.

Submissions (2):

Mayo Clinic Laboratories, Mayo Clinic
Classification: Uncertain significance. Last evaluated: 2025-11-15. Review status: criteria provided, single submitter. Criteria: ACMG Guidelines, 2015. Collection method: clinical testing. Allele origin: germline. Observed: 1 variant allele.
Comment: PP3, PM2_supporting

Labcorp Genetics (formerly Invitae), Labcorp
Classification: Uncertain significance for Pigmentary pallidal degeneration. Last evaluated: 2022-02-18. Review status: criteria provided, single submitter. Criteria: Invitae Variant Classification Sherloc (09022015). Collection method: clinical testing. Allele origin: germline.
Comment: This variant has not been reported in the literature in individuals affected with PANK2-related conditions. In summary, the available evidence is currently insufficient to determine the role of this variant in disease. Therefore, it has been classified as a Variant of Uncertain Significance. Algorithms developed to predict the effect of missense changes on protein structure and function are either unavailable or do not agree on the potential impact of this missense change (SIFT: "Tolerated"; PolyPhen-2: "Possibly Damaging"; Align-GVGD: "Class C0"). This variant is not present in population databases (gnomAD no frequency). This sequence change replaces arginine, which is basic and polar, with serine, which is neutral and polar, at codon 491 of the PANK2 protein (p.Arg491Ser).

NM_001386393.1(PANK2):c.1143A>C (p.Arg381Ser)

Gene: PANK2 (pantothenate kinase 2; plus strand). Cytogenetic location: 20p13.
Variant type: single nucleotide variant.
Coding change: c.1143A>C on transcript NM_001386393.1 (MANE Select); coding-DNA position 1143, A replaced by C.
Protein change: p.Arg381Ser; replaces arginine 381 with serine.
Molecular consequence: missense variant. On other transcripts: non-coding transcript variant (1).
Genome position (GRCh38, 1-based): chr20:3,916,987, A>C. VCF-style: chr20-3916987-A-C. GRCh37 (hg19) VCF-style: chr20-3897634-A-C.
Other names: p.Arg491Ser; c.600A>C, p.Arg200Ser (NM_001324191.2, NM_024960.6, NM_153640.4); c.165A>C, p.Arg55Ser (NM_001324193.2); c.1473A>C, p.Arg491Ser (NM_153638.4); c.1473A>C (NM_153638.3); short protein forms R200S, R381S, R55S, R491S.
Identifiers: ClinVar variation 2098651 (VCV002098651.5), dbSNP rs2090571420, ClinGen allele CA408119354.